The following is an entry in ClinVar:

ClinVar aggregate classification (germline): Uncertain significance (1 of 4 stars; one submission).

gnomAD v4.1: 1 of 1,604,120 alleles (0.000062%); highest among the groups gnomAD compares: Admixed American, 0.0018%; no homozygotes.

Submission:

Labcorp Genetics (formerly Invitae), Labcorp
Classification: Uncertain significance. Last evaluated: 2024-11-25. Review status: criteria provided, single submitter. Criteria: Invitae Variant Classification Sherloc (09022015). Collection method: clinical testing. Allele origin: germline.
Comment: This sequence change replaces glycine, which is neutral and non-polar, with serine, which is neutral and polar, at codon 810 of the STAG1 protein (p.Gly810Ser). The frequency data for this variant in the population databases is considered unreliable, as metrics indicate poor data quality at this position in the gnomAD database. This variant has not been reported in the literature in individuals affected with STAG1-related conditions. Invitae Evidence Modeling of protein sequence and biophysical properties (such as structural, functional, and spatial information, amino acid conservation, physicochemical variation, residue mobility, and thermodynamic stability) indicates that this missense variant is not expected to disrupt STAG1 protein function with a negative predictive value of 80%. In summary, the available evidence is currently insufficient to determine the role of this variant in disease. Therefore, it has been classified as a Variant of Uncertain Significance.

NM_005862.3(STAG1):c.2428G>A (p.Gly810Ser)

Gene: STAG1 (STAG1 cohesin complex component; minus strand). Cytogenetic location: 3q22.3.
Variant type: single nucleotide variant.
Coding change: c.2428G>A on transcript NM_005862.3 (MANE Select); coding-DNA position 2428, G replaced by A.
Protein change: p.Gly810Ser; replaces glycine 810 with serine.
Molecular consequence: missense variant.
Genome position (GRCh38, 1-based): chr3:136,369,225, C>T on the plus strand (G>A on the coding strand, the complement: STAG1 is on the minus strand). VCF-style: chr3-136369225-C-T. GRCh37 (hg19) VCF-style: chr3-136088067-C-T.
Other names: short protein forms G810S.
Identifiers: ClinVar variation 3677960 (VCV003677960.2).